The following is an entry in ClinVar:

NM_002103.5(GYS1):c.1646-1_1647del

Gene: GYS1 (glycogen synthase 1; minus strand). Cytogenetic location: 19q13.33.
Variant type: Deletion.
Coding change: c.1646-1_1647del on transcript NM_002103.5 (MANE Select); the canonical splice acceptor site of the intron before coding-DNA position 1646 through coding-DNA position 1647, 3 bases deleted (GGT; older notation c.1646-1_1647delGGT).
Molecular consequence: splice acceptor variant.
Genome position (GRCh38, 1-based): chr19:48,970,708-48,970,710, ACC deleted on the plus strand (GGT on the coding strand, the reverse complement: GYS1 is on the minus strand). VCF-style (leftmost placement, unchanged base first): chr19-48970707-TACC-T. GRCh37 (hg19) VCF-style: chr19-49473964-TACC-T.
Other names: c.1454-1_1455del (NM_001161587.2).
Identifiers: ClinVar variation 1064610 (VCV001064610.3), dbSNP rs2122461010, ClinGen allele CA2499225538.

ClinVar aggregate classification (germline): Pathogenic (1 of 4 stars; one submission).

Conditions:
Glycogen storage disease due to muscle and heart glycogen synthase deficiency. Also called: MUSCLE GLYCOGEN SYNTHASE DEFICIENCY; GSD 0b. Identifiers: Orphanet 137625, MedGen C1969054, MONDO:0012693, OMIM 611556.

Allele frequency attached by ClinVar (database versions not stated): gnomAD exomes below 0.00001.

Submission:

Kids Neuroscience Centre, Sydney Children's Hospitals Network
Classification: Pathogenic for Glycogen storage disease due to muscle and heart glycogen synthase deficiency. Review status: criteria provided, single submitter. Criteria: Bournazos AM et al. (Genet Med 2021). Collection method: clinical testing. Allele origin: inherited. Inheritance: Autosomal recessive inheritance. Affected: yes. Observed: 1 homozygote.
Comment: c.1646-1_1647del variant induces intron 13 retention p.(Ile550Glnfs*6) and use of a cryptic 3’-splice site p.(Gly549Valfs*29) causing a frameshift and premature termination codon. No evidence found for residual normal exon 13-14-15 splicing in the proband. Therefore, all detected spliced GYS1 transcripts encode a premature stop codon and are predicted to be targeted for nonsense-mediated decay. Any mis-spliced transcripts that escape nonsense mediated decay encode a glycogen synthase 1 protein lacking 25 conserved amino acids (Figure 7) from the C-terminal glycogen synthase domain. Functional impact due to loss of part of the GYS1 glycogen synthase domain is supported by three other nonsense variants affecting a similar region of GYS1 (p.Glu539*, p.Arg462*, p.Arg402*) classified as pathogenic variants in ClinVar.